The following is an entry in ClinVar:

ClinVar aggregate classification (germline): Uncertain significance (1 of 4 stars; one submission).

Submission:

Ambry Genetics
Classification: Uncertain significance. Last evaluated: 2022-11-26. Review status: criteria provided, single submitter. Criteria: Ambry Variant Classification Scheme 2023. Collection method: clinical testing. Allele origin: germline.
Comment: The p.N594K variant (also known as c.1782T>A), located in coding exon 13 of the NPAT gene, results from a T to A substitution at nucleotide position 1782. The asparagine at codon 594 is replaced by lysine, an amino acid with similar properties. This amino acid position is conserved. In addition, this alteration is predicted to be tolerated by in silico analysis. Since supporting evidence is limited at this time, the clinical significance of this alteration remains unclear.

NM_002519.3(NPAT):c.1782T>A (p.Asn594Lys)

Gene: NPAT (nuclear protein, coactivator of histone transcription; minus strand). Cytogenetic location: 11q22.3.
Variant type: single nucleotide variant.
Coding change: c.1782T>A on transcript NM_002519.3 (MANE Select); coding-DNA position 1782, T replaced by A.
Protein change: p.Asn594Lys; replaces asparagine 594 with lysine.
Molecular consequence: missense variant.
Genome position (GRCh38, 1-based): chr11:108,173,202, A>T on the plus strand (T>A on the coding strand, the complement: NPAT is on the minus strand). VCF-style: chr11-108173202-A-T. GRCh37 (hg19) VCF-style: chr11-108043929-A-T.
Other names: c.1782T>A, p.Asn594Lys (NM_001321307.1); short protein forms N594K.
Identifiers: ClinVar variation 2453742 (VCV002453742.2), dbSNP rs192893789, ClinGen allele CA382514366.